The following is an entry in ClinVar:

NM_003073.5(SMARCB1):c.934G>A (p.Ala312Thr)

Gene: SMARCB1 (SWI/SNF related BAF chromatin remodeling complex subunit B1; plus strand). Cytogenetic location: 22q11.23.
Variant type: single nucleotide variant.
Coding change: c.934G>A on transcript NM_003073.5 (MANE Select); coding-DNA position 934, G replaced by A.
Protein change: p.Ala312Thr; replaces alanine 312 with threonine.
Molecular consequence: missense variant.
Genome position (GRCh38, 1-based): chr22:23,825,363, G>A. VCF-style: chr22-23825363-G-A. GRCh37 (hg19) VCF-style: chr22-24167550-G-A.
Other names: c.907G>A, p.Ala303Thr (NM_001007468.3); c.961G>A, p.Ala321Thr (NM_001317946.2); c.988G>A, p.Ala330Thr (NM_001362877.2); short protein forms A303T, A330T, A312T, A321T.
Identifiers: ClinVar variation 961239 (VCV000961239.12), dbSNP rs749348930, ClinGen allele CA10146076.
Genomic context (GRCh38, chr22:23,825,363, plus strand): 5'-AAGTTTGCCCTGAAGCTGTGCTCGGAGCTGGGGTTGGGCGGGGAGTTTGTCACCACCATC[G>A]CATACAGCATCCGGGGACAGCTGAGCTGGCATCAGAAGACCTACGCCTTCAGGTAGGATC-3'
Protein context (NP_003064.2, residues 302-322): GLGGEFVTTI[Ala312Thr]YSIRGQLSWH

ClinVar aggregate classification (germline): Uncertain significance. Review status: criteria provided, multiple submitters, no conflicts (2 of 4 stars). 2 submissions from 2 submitters: Uncertain significance (2). Last evaluated 2025-01-27.

Conditions:
Hereditary cancer-predisposing syndrome. Also called: Tumor predisposition; Hereditary neoplastic syndrome; Hereditary Cancer Syndrome; Neoplastic Syndromes, Hereditary. Identifiers: Orphanet 140162, MedGen C0027672, MeSH D009386, MONDO:0015356.

Allele frequency attached by ClinVar (database versions not stated): gnomAD exomes below 0.00001; TOPMed below 0.00001; ExAC 0.00001; gnomAD 0.00001.
gnomAD v4.1: 6 of 1,613,974 alleles (0.00037%); highest among the groups gnomAD compares: Admixed American, 0.0033%; no homozygotes.

Submissions (2):

Labcorp Genetics (formerly Invitae), Labcorp
Classification: Uncertain significance. Last evaluated: 2025-01-27. Review status: criteria provided, single submitter. Criteria: Invitae Variant Classification Sherloc (09022015). Collection method: clinical testing. Allele origin: germline.
Comment: This sequence change replaces alanine, which is neutral and non-polar, with threonine, which is neutral and polar, at codon 312 of the SMARCB1 protein (p.Ala312Thr). This variant is present in population databases (rs749348930, gnomAD 0.004%). This variant has not been reported in the literature in individuals affected with SMARCB1-related conditions. ClinVar contains an entry for this variant (Variation ID: 961239). Invitae Evidence Modeling of protein sequence and biophysical properties (such as structural, functional, and spatial information, amino acid conservation, physicochemical variation, residue mobility, and thermodynamic stability) has been performed for this missense variant. However, the output from this modeling did not meet the statistical confidence thresholds required to predict the impact of this variant on SMARCB1 protein function. In summary, the available evidence is currently insufficient to determine the role of this variant in disease. Therefore, it has been classified as a Variant of Uncertain Significance.

Ambry Genetics
Classification: Uncertain significance for Hereditary cancer-predisposing syndrome. Last evaluated: 2024-04-12. Review status: criteria provided, single submitter. Criteria: Ambry Variant Classification Scheme 2023. Collection method: clinical testing. Allele origin: germline.
Comment: The p.A312T variant (also known as c.934G>A), located in coding exon 7 of the SMARCB1 gene, results from a G to A substitution at nucleotide position 934. The alanine at codon 312 is replaced by threonine, an amino acid with similar properties. This amino acid position is highly conserved in available vertebrate species. In addition, the in silico prediction for this alteration is inconclusive. Based on the available evidence, the clinical significance of this variant remains unclear.